The following is an entry in ClinVar:

NM_000407.5(GP1BB):c.89G>A (p.Cys30Tyr)

Genes: GP1BB (glycoprotein Ib platelet subunit beta; plus strand), SEPT5-GP1BB (SEPT5-GP1BB readthrough; plus strand). Cytogenetic location: 22q11.21.
Variant type: single nucleotide variant.
Coding change: c.89G>A on transcript NM_000407.5 (MANE Select); coding-DNA position 89, G replaced by A.
Protein change: p.Cys30Tyr; replaces cysteine 30 with tyrosine.
Molecular consequence: missense variant. On other transcripts: non-coding transcript variant (2).
Genome position (GRCh38, 1-based): chr22:19,723,932, G>A. VCF-style: chr22-19723932-G-A. GRCh37 (hg19) VCF-style: chr22-19711455-G-A.
Other names: NM_000407.5:c.89G>A; short protein forms C30Y.
Identifiers: ClinVar variation 4849245 (VCV004849245.1).

ClinVar aggregate classification (germline): Likely pathogenic (3 of 4 stars; one submission).

Conditions:
Bernard Soulier syndrome (BSS). Also called: BLEEDING DISORDER, PLATELET-TYPE, 1; PLATELET GLYCOPROTEIN Ib DEFICIENCY; VON WILLEBRAND FACTOR RECEPTOR DEFICIENCY; Platelet Glycoprotein 1b, Deficiency of; Giant platelet syndrome; Hemorrhagiparous thrombocytic dystrophy. Identifiers: Orphanet 274, MedGen C0005129, MeSH D001606, MONDO:0009276, OMIM 231200.

Submission:

ClinGen Platelet Disorders Variant Curation Expert Panel, ClinGen
Classification: Likely pathogenic for Bernard Soulier syndrome. Last evaluated: 2026-04-02. Review status: reviewed by expert panel. Criteria: ClinGen Platelet ACMG Specifications GP1BB V1.0.0. Collection method: curation. Allele origin: germline. Inheritance: Autosomal recessive inheritance.
Comment: The c.89G>A (p.Cys30Tyr) variant in GP1BB is a missense variant predicted to cause substitution of Cysteine by Tyrosine at amino acid 30 (p.Cys30Tyr). At least one patient (Proband PMID: 12958615) with this variant had aggregation absent for ristocetin and present for all other agonists as well as less than 10% expression of GPIba and GP1bb measured by Western blot, which is highly specific for Bernard-Soulier syndrome. Additionally, the patient had excessive mucocutaneous bleeding and macrothrombocytopenia which are consistent with Bernard-Soulier syndrome (PP4). Surface expression of the GPIba measured by flow cytometry in CHO cells transiently co-transfected with p.Cys30Tyr variant GP1b and wild type GP1a and GP9 showed absent expression, indicating that this variant impacts protein function (PMID: 12958615)(PS3_supporting). The computational predictor REVEL gives a score of 0.792, which is above the ClinGen PD VCEP threshold of >0.773 and predicts a damaging effect on GP1BB function (PP3_Moderate). This variant is absent from gnomAD v4.1.0 (PM2_Supporting). In summary, this variant meets the criteria to be classified as Likely Pathogenic for autosomal recessive Bernard-Soulier syndrome based on the ACMG/AMP criteria applied, as specified by the ClinGen PD VCEP: PP3_Moderate, PP1, PP4, PM2_Supporting, PM3_Supporting and PS3_Supporting (VCEP specifications version 1.1).